The following is an entry in ClinVar:

ClinVar aggregate classification (germline): Uncertain significance (1 of 4 stars; one submission).

Conditions:
Primary ciliary dyskinesia. Also called: Ciliary dyskinesia. Identifiers: Orphanet 244, MedGen C0008780, MONDO:0016575, HP:0012265.

Allele frequency attached by ClinVar (database versions not stated): gnomAD exomes below 0.00001 and 0.00001; ExAC 0.00001; TOPMed 0.00001; gnomAD 0.00002; ESP Exome Variant Server 0.00008.
gnomAD v4.1: 12 of 1,603,142 alleles (0.00075%); highest among the groups gnomAD compares: Non-Finnish European, 0.00094%; no homozygotes.

Submission:

Labcorp Genetics (formerly Invitae), Labcorp
Classification: Uncertain significance for Primary ciliary dyskinesia. Last evaluated: 2021-12-03. Review status: criteria provided, single submitter. Criteria: Invitae Variant Classification Sherloc (09022015). Collection method: clinical testing. Allele origin: germline.
Comment: In summary, the available evidence is currently insufficient to determine the role of this variant in disease. Therefore, it has been classified as a Variant of Uncertain Significance. Algorithms developed to predict the effect of missense changes on protein structure and function are either unavailable or do not agree on the potential impact of this missense change (SIFT: "Deleterious"; PolyPhen-2: "Not Available"; Align-GVGD: "Class C0"). This variant has not been reported in the literature in individuals affected with DNAH8-related conditions. This variant is present in population databases (rs375776680, gnomAD 0.002%). This sequence change replaces isoleucine, which is neutral and non-polar, with threonine, which is neutral and polar, at codon 1273 of the DNAH8 protein (p.Ile1273Thr).

NM_001206927.2(DNAH8):c.3818T>C (p.Ile1273Thr)

Gene: DNAH8 (dynein axonemal heavy chain 8; plus strand). Cytogenetic location: 6p21.2.
Variant type: single nucleotide variant.
Coding change: c.3818T>C on transcript NM_001206927.2 (MANE Select); coding-DNA position 3818, T replaced by C.
Protein change: p.Ile1273Thr; replaces isoleucine 1273 with threonine.
Molecular consequence: missense variant.
Genome position (GRCh38, 1-based): chr6:38,823,659, T>C. VCF-style: chr6-38823659-T-C. GRCh37 (hg19) VCF-style: chr6-38791435-T-C.
Other names: c.3167T>C, p.Ile1056Thr (NM_001371.4); short protein forms I1056T, I1273T.
Identifiers: ClinVar variation 1402773 (VCV001402773.4), dbSNP rs375776680, ClinGen allele CA3788942.